The following is an entry in ClinVar:

ClinVar aggregate classification (germline): Likely benign. Review status: criteria provided, multiple submitters, no conflicts (2 of 4 stars). 2 submissions from 2 submitters: Likely benign (2). Last evaluated 2023-03-17.

Conditions:
Mitochondrial DNA depletion syndrome, encephalomyopathic form with methylmalonic aciduria (MTDPS5). Also called: Mitochondrial encephalomyopathy aminoacidopathy; SUCLA2-Related Mitochondrial DNA Depletion Syndrome, Encephalomyopathic Form with Methylmalonic Aciduria; MITOCHONDRIAL DNA DEPLETION SYNDROME, ENCEPHALOMYOPATHIC FORM, WITH OR WITHOUT METHYLMALONIC ACIDURIA, AUTOSOMAL RECESSIVE, SUCLA2-RELATED; Mitochondrial DNA depletion syndrome 5 (encephalomyopathic with or without methylmalonic aciduria). Identifiers: Orphanet 1933, MedGen C5980207, MONDO:0012791, OMIM 612073.

Allele frequency attached by ClinVar (database versions not stated): gnomAD exomes below 0.00001.

Submissions (2):

Labcorp Genetics (formerly Invitae), Labcorp
Classification: Likely benign for Mitochondrial DNA depletion syndrome, encephalomyopathic form with methylmalonic aciduria. Last evaluated: 2023-03-17. Review status: criteria provided, single submitter. Criteria: Invitae Variant Classification Sherloc (09022015). Collection method: clinical testing. Allele origin: germline.

GeneDx
Classification: Likely benign. Last evaluated: 2017-08-23. Review status: criteria provided, single submitter. Criteria: GeneDx Variant Classification (06012015). Collection method: clinical testing. Allele origin: germline. Affected: yes.
Comment: This variant is considered likely benign or benign based on one or more of the following criteria: it is a conservative change, it occurs at a poorly conserved position in the protein, it is predicted to be benign by multiple in silico algorithms, and/or has population frequency not consistent with disease.

NM_003850.3(SUCLA2):c.81T>G (p.Ala27=)

Genes: SUCLA2 (succinate-CoA ligase ADP-forming subunit beta; minus strand), LOC130009747 (ATAC-STARR-seq lymphoblastoid active region 7719; plus strand). Cytogenetic location: 13q14.2.
Variant type: single nucleotide variant.
Coding change: c.81T>G on transcript NM_003850.3 (MANE Select); coding-DNA position 81, T replaced by G.
Protein change: p.Ala27=; no amino-acid change (alanine 27 retained).
Molecular consequence: synonymous variant.
Genome position (GRCh38, 1-based): chr13:48,001,189, A>C on the plus strand (T>G on the coding strand, the complement: SUCLA2 is on the minus strand). VCF-style: chr13-48001189-A-C. GRCh37 (hg19) VCF-style: chr13-48575325-A-C.
Identifiers: ClinVar variation 511370 (VCV000511370.4), dbSNP rs1411239127, ClinGen allele CA388155206.
Genomic context (GRCh38, chr13:48,001,189, plus strand): 5'-CACCCTTTCTCCTGCCGACCCTCGAGACGACAGCGGACTGGAAGGCATTACCTGAGCAGC[A>C]GCCCGCTGGGCCGTCCGAGGCCGGTGGTTCCGAAGGGTGGCCACGGCCACTAGCCTGCCG-3'
Protein context (NP_003841.1, residues 17-37): RNHRPRTAQR[Ala27=]AAQVLGSSGL